The following continues an entry in ClinVar:

NM_000257.4(MYH7):c.2389G>A (p.Ala797Thr)

ClinVar aggregate classification (germline): Pathogenic/Likely pathogenic. Pathogenic (31); Likely pathogenic (5).

Submissions 9 to 22 of 39:

Ambry Genetics
Classification: Pathogenic for Cardiovascular phenotype. Last evaluated: 2025-03-27. Review status: criteria provided, single submitter. Criteria: Ambry Variant Classification Scheme 2023. Collection method: clinical testing. Allele origin: germline.
Comment: The p.A797T pathogenic mutation (also known as c.2389G>A), located in coding exon 19 of the MYH7 gene, results from a G to A substitution at nucleotide position 2389. The alanine at codon 797 is replaced by threonine, an amino acid with similar properties. This mutation has been reported in association with hypertrophic cardiomyopathy (HCM) and has shown a founder effect in the South African population (Moolman JC et al. Hum Mutat. 1995;6(2):197-8; Moolman-Smook JC et al. Am J Hum Genet. 1999;65(5):1308-20; Revera M et al. Cardiovasc Res. 2008;77(4):687-94; Brito D et al. Rev Port Cardiol. 2012;31(9):577-87; Kassem HSh et al. J Cardiovasc Transl Res. 2013;6(1):65-80; Lopes LR et al. Heart. 2015;01(4):294-301; Walsh R et al. Genet. Med. 2017;19(2):192-203). This alteration has also segregated with disease across several families (Moolman-Smook JC et al. Am J Hum Genet. 1999;65(5):1308-20; Moolman-Smook J et al. J Med Genet. 2000;37(12):951-6; Laredo R et al. Rev Esp Cardiol. 2006;59(10):1008-18). This amino acid position is poorly conserved in available vertebrate species. In addition, the in silico prediction by for this alteration is inconclusive. Based on the supporting evidence, this variant is interpreted as a disease-causing mutation.

Victorian Clinical Genetics Services, Murdoch Childrens Research Institute
Classification: Pathogenic for Hypertrophic cardiomyopathy 1. Last evaluated: 2025-02-26. Review status: criteria provided, single submitter. Criteria: ACMG Guidelines, 2015. Collection method: clinical testing. Allele origin: germline. Affected: yes.
Comment: This variant is classified as Pathogenic. Evidence in support of pathogenic classification: Variant is present in gnomAD <0.001 for a dominant condition (v4: 46 heterozygote(s), 0 homozygote(s)); This variant has strong previous evidence of pathogenicity in unrelated individuals. This variant is a common pathogenic variant reported in individuals with hypertrophic cardiomyopathy and has shown a founder effect in the South African population (ClinVar, PMIDs: 28408708, 28615295); Variant is located in a hotspot region or cluster of pathogenic variants. This variant is found within the head region, which is enriched with pathogenic missense variants (PMID: 29300372). Evidence in support of benign classification: Missense variant predicted to be tolerated by in silico tool(s) or not conserved in placental mammals with a minor amino acid change. Additional information: Variant is predicted to result in a missense amino acid change from alanine to threonine; This variant is heterozygous; This gene is associated with both recessive and dominant disease. Disease associated with this gene usually has autosomal dominant inheritance; however, a recessive inheritance pattern has been observed in severe cases (OMIM); Alternative amino acid change(s) at the same position are present in gnomAD (highest allele count: v4: 1 heterozygote(s), 0 homozygote(s)); The mechanism of disease for this gene is not clearly established; however, missense variants have been proposed to act in a dominant negative manner (PMID: 24714796); The condition associated with this gene has incomplete penetrance (PMID: 29300372); Inheritance information for this variant is not currently available in this individual.

Color Diagnostics, LLC DBA Color Health
Classification: Pathogenic for Cardiomyopathy. Last evaluated: 2024-04-29. Review status: criteria provided, single submitter. Criteria: ACMG Guidelines, 2015. Collection method: clinical testing. Allele origin: germline.
Comment: This missense variant replaces alanine with threonine at codon 797 in the myosin head/motor domain of the MYH7 protein. Computational prediction tools indicate that this variant's impact on protein structure and function is inconclusive. To our knowledge, functional studies have not been reported for this variant. This variant has been reported in many individuals affected with hypertrophic cardiomyopathy (PMID: 7581410, 10521296, 11186938, 11447480, 15358028, 16858239, 17125710, 20031618, 22857948, 23233322, 23283745, 24093860, 24111713, 24793961, 26969327, 27247418, 27532257, 27737317, 27831900, 28138913, 28615295, 28790153, 33297573, 33673806, 34542152, 35288587, 35653365, 38139087, 38186735, 38489124) and has been shown to segregate with disease in several families (PMID: 11186938, 17125710). This variant is particularly common in individuals of South African ancestry affected with hypertrophic cardiomyopathy (PMID: 27841901), although it has been reported in individuals from many ancestries. This variant has been identified in 6/251468 chromosomes in the general population by the Genome Aggregation Database (gnomAD). Based on the available evidence, this variant is classified as Pathogenic.

Clinical Genetics Laboratory, Skane University Hospital Lund
Classification: Pathogenic. Last evaluated: 2024-02-09. Review status: criteria provided, single submitter. Criteria: ACMG Guidelines, 2015. Collection method: clinical testing. Allele origin: germline. Affected: yes.

Blueprint Genetics
Classification: Pathogenic for MYH7-related disorders. Last evaluated: 2024-01-03. Review status: criteria provided, single submitter. Criteria: ACMG Guidelines, 2015. Collection method: clinical testing. Allele origin: germline. Affected: yes. Observed: 5 variant alleles.

Baylor Genetics
Classification: Pathogenic for Myosin storage myopathy. Last evaluated: 2023-07-22. Review status: criteria provided, single submitter. Criteria: ACMG Guidelines, 2015. Collection method: clinical testing. Allele origin: unknown.

Baylor Genetics
Classification: Pathogenic for Myopathy, myosin storage, autosomal recessive. Last evaluated: 2023-07-22. Review status: criteria provided, single submitter. Criteria: ACMG Guidelines, 2015. Collection method: clinical testing. Allele origin: unknown.

Baylor Genetics
Classification: Pathogenic for MYH7-related skeletal myopathy. Last evaluated: 2023-07-22. Review status: criteria provided, single submitter. Criteria: ACMG Guidelines, 2015. Collection method: clinical testing. Allele origin: unknown.

Baylor Genetics
Classification: Pathogenic for Hypertrophic cardiomyopathy 1. Last evaluated: 2023-07-17. Review status: criteria provided, single submitter. Criteria: ACMG Guidelines, 2015. Collection method: clinical testing. Allele origin: unknown.

Baylor Genetics
Classification: Pathogenic for Dilated cardiomyopathy 1S. Last evaluated: 2023-07-17. Review status: criteria provided, single submitter. Criteria: ACMG Guidelines, 2015. Collection method: clinical testing. Allele origin: unknown.

GeneDx
Classification: Pathogenic. Last evaluated: 2023-07-02. Review status: criteria provided, single submitter. Criteria: GeneDx Variant Classification Process June 2021. Collection method: clinical testing. Allele origin: germline. Affected: yes.
Comment: In silico analysis supports that this missense variant does not alter protein structure/function; This variant is associated with the following publications: (PMID: 7581410, 19287818, 24093860, 28615295, 28420666, 31589614, 33673806, 33297573, 26582918, 30755392, 29260236, 25937619, 26743238, 16858239, 23299917, 25031304, 23233322, 15358028, 10521296, 17125710, 18029407, 25637381, 28166811, 27737317, 26969327, 24793961, 27247418, 27831900, 27532257, 28138913, 28971120, 28606303, 21310275, 28790153, 29687901, 28408708, 25351510, 24111713, 23782526, 23283745, 22857948, 20031618, 19880069, 11186938, 31006259, 32420109, 32233023, 30291343, 31447099, 32894683, 33087929, 35208637, 35653365, 35288587, 34542152, 29300372)

Laboratory for Molecular Medicine, Mass General Brigham Personalized Medicine
Classification: Pathogenic for Hypertrophic cardiomyopathy. Last evaluated: 2023-06-08. Review status: criteria provided, single submitter. Criteria: ACMG Guidelines, 2015. Collection method: clinical testing. Allele origin: germline. Inheritance: Autosomal dominant inheritance.
Comment: The p.Ala797Thr variant in MYH7 has been identified in >30 individuals with HCM and segregated with disease in >10 affected relatives from several families (Moolman 1995 PMID: 7581410, Moolman-Shook 1999 PMID: 10521296, Moolman-Smook 2000 PMID: 11186938, Van Driest 2004 PMID: 15358028, Laredo 2006 PMID: 17125710, Kassem 2013 PMID: 23233322, Bos 2014 PMID: 24793961, LMM data). This variant has been reported by other clinical laboratories in ClinVar (Variation ID 42901) and has been identified in 0.005% (2/41412) African/African American chromosomes by gnomAD (v.3.1.2). Please note that for diseases with clinical variability and reduced penetrance, pathogenic variants may be present at a low frequency in the general population. Computational prediction tools and conservation analyses do not provide strong support for or against an impact to the protein. Of note, this variant lies in the head region of the protein. Missense variants in this region have been reported and statistically indicated to be more likely to cause disease (Walsh 2017 PMID: 27532257). In summary, this variant meets criteria to be classified as pathogenic for autosomal dominant HCM. ACMG/AMP Criteria applied: PS4, PP1_Strong, PM1, PM2_Supporting.

ARUP Laboratories, Molecular Genetics and Genomics, ARUP Laboratories
Classification: Pathogenic. Last evaluated: 2023-03-02. Review status: criteria provided, single submitter. Criteria: ARUP Molecular Germline Variant Investigation Process 2024. Collection method: clinical testing. Allele origin: germline.
Comment: The MYH7 c.2389G>A; p.Ala797Thr variant (rs3218716; ClinVar Variation ID: 42901), also known as A797T, is a known founder variant in Black South African population (Moolman-Smook 2002). This variant has been shown to co-segregated with disease in multiple individuals and has been identified in multiple unrelated individuals (selected references: Moolman-Smook 2002, Mattos 2016, Walsh 2017). This variant is associated with mild-moderate hypertrophic cardiomyopathy and displays incomplete penetrance (Moolman-Smook 2000). Based on available information, this variant is considered to be pathogenic. References: Mattos BP et al. Prevalence and Phenotypic Expression of Mutations in the MYH7, MYBPC3 and TNNT2 Genes in Families with Hypertrophic Cardiomyopathy in the South of Brazil: A Cross-Sectional Study. Arq Bras Cardiol. 2016 Sep;107(3):257-265. PMID: 27737317. Moolman-Smook J et al. Expression of HCM causing mutations: lessons learnt from genotype-phenotype studies of the South African founder MYH7 A797T mutation. J Med Genet. 2000 Dec;37(12):951-6. PMID: 11186938. Walsh R et al. Reassessment of Mendelian gene pathogenicity using 7,855 cardiomyopathy cases and 60,706 reference samples. Genet Med. 2017 Feb;19(2):192-203. PMID: 27532257.

MGZ Medical Genetics Center
Classification: Pathogenic for Hypertrophic cardiomyopathy 1. Last evaluated: 2022-07-26. Review status: criteria provided, single submitter. Criteria: ACMG Guidelines, 2015. Collection method: clinical testing. Allele origin: germline. Affected: yes. Observed: 1 variant allele.
Comment: ACMG criteria applied: PS4, PM1, PP1_MOD, PM2_SUP, PP2